The following is an entry in ClinVar:

ClinVar aggregate classification (germline): Likely benign (1 of 4 stars; one submission).

Allele frequency attached by ClinVar (database versions not stated): gnomAD 0.00358; TOPMed 0.00382; 1000 Genomes Project 30x 0.00515; 1000 Genomes Project 0.00539.
gnomAD v4.1: 540 of 152,218 alleles (0.35%); highest among the groups gnomAD compares: African/African-American, 1.2%; 2 homozygotes.

Submission:

GeneDx
Classification: Likely benign. Last evaluated: 2019-06-15. Review status: criteria provided, single submitter. Criteria: GeneDx Variant Classification Process June 2021. Collection method: clinical testing. Allele origin: germline. Affected: yes.
Comment: See Variant Classification Assertion Criteria.

NM_005228.5(EGFR):c.748-193G>T

Gene: EGFR (epidermal growth factor receptor; plus strand). Cytogenetic location: 7p11.2.
Variant type: single nucleotide variant.
Coding change: c.748-193G>T on transcript NM_005228.5 (MANE Select); 193 bases into the intron before coding-DNA position 748, G replaced by T.
Molecular consequence: intron variant.
Genome position (GRCh38, 1-based): chr7:55,153,818, G>T. VCF-style: chr7-55153818-G-T. GRCh37 (hg19) VCF-style: chr7-55221511-G-T.
Other names: c.613-193G>T (NM_001346899.2, NM_001346897.2); c.89-2012G>T (NM_001346941.2); c.748-193G>T (NM_001346898.2, NM_201284.2, NM_201282.2 and 1 more transcripts); c.589-193G>T (NM_001346900.2).
Identifiers: ClinVar variation 1707329 (VCV001707329.2), dbSNP rs17336619, ClinGen allele CA158911893.